The following is an entry in ClinVar:

NM_000197.2(HSD17B3):c.397G>A (p.Gly133Arg)

Genes: SLC35D2-HSD17B3 (SLC35D2-HSD17B3 readthrough; minus strand), HSD17B3 (hydroxysteroid 17-beta dehydrogenase 3; minus strand). Cytogenetic location: 9q22.32.
Variant type: single nucleotide variant.
Coding change: c.397G>A on transcript NM_000197.2 (MANE Select); coding-DNA position 397, G replaced by A.
Protein change: p.Gly133Arg; replaces glycine 133 with arginine.
Molecular consequence: missense variant.
Genome position (GRCh38, 1-based): chr9:96,251,474, C>T on the plus strand (G>A on the coding strand, the complement: HSD17B3 is on the minus strand). VCF-style: chr9-96251474-C-T. GRCh37 (hg19) VCF-style: chr9-99013756-C-T.
Other names: short protein forms G133R.
Identifiers: ClinVar variation 492763 (VCV000492763.5), dbSNP rs747724352, ClinGen allele CA5140428.
Genomic context (GRCh38, chr9:96,251,474, plus strand): 5'-CTACCTGGATTTCATCCGGTGCGTTCAGGAAATGGCTTGGGAGAAGGTTTGGAAGCATTC[C>T]GACATTGTTGACTGGCAGAAAGAAGCAAAACAAAAATGTGTCAGAAGATCAGGTGGGAGA-3'
Protein context (NP_000188.1, residues 123-143): LEIGILVNNV[Gly133Arg]MLPNLLPSHF

ClinVar aggregate classification (germline): Likely pathogenic. Review status: criteria provided, multiple submitters, no conflicts (2 of 4 stars). 3 submissions from 3 submitters: Likely pathogenic (2). 1 of the submissions does not count toward it.

Conditions:
Pseudohermaphroditism. Identifiers: MedGen C0033804, MONDO:0005518.
Testosterone 17-beta-dehydrogenase deficiency. Also called: 17-beta hydroxysteroid dehydrogenase 3 deficiency; 17 alpha ketosteroid reductase deficiency of testis; 17 alpha KSR deficiency; Neutral 17 beta hydroxysteroid oxidoreductase deficiency; Male pseudoherma-phroditism with gynecomastia; 46,XY disorder of sex development due to 17-beta-hydroxysteroid dehydrogenase 3 deficiency. Identifiers: Orphanet 752, MedGen C0268296, MONDO:0009916, OMIM 264300. Disease mechanism: loss of function.

Allele frequency attached by ClinVar (database versions not stated): TOPMed 0.00001; ExAC 0.00002; gnomAD exomes 0.00002.
gnomAD v4.1: 10 of 1,614,006 alleles (0.00062%); highest among the groups gnomAD compares: Admixed American, 0.0017%; no homozygotes.

Submissions (3):

Juno Genomics, Hangzhou Juno Genomics, Inc
Classification: Likely pathogenic for Testosterone 17-beta-dehydrogenase deficiency. Review status: criteria provided, single submitter. Criteria: ACMG Guidelines, 2015. Collection method: clinical testing. Allele origin: germline.
Comment: Absent from controls (or at extremely low frequency if recessive) in Genome Aggregation Database.;Well-established in vitro or in vivo functional studies supportive of a damaging effect on the gene or gene product.;For recessive disorders, detected in trans with a pathogenic variant.;Patient's phenotype or family history is highly specific for a disease with a single genetic etiology.

Kariminejad - Najmabadi Pathology & Genetics Center
Classification: Likely pathogenic for Testosterone 17-beta-dehydrogenase deficiency. Review status: criteria provided, single submitter. Criteria: ACMG Guidelines, 2015. Collection method: clinical testing. Allele origin: germline. Affected: no.

Clinical Molecular Genetics Laboratory, Johns Hopkins All Children's Hospital
Classification: Pathogenic for Pseudohermaphroditism. Last evaluated: 2010-09-28. Review status: no assertion criteria provided. Collection method: clinical testing. Allele origin: germline. Affected: yes. Not counted in ClinVar's aggregate classification.